The following is an entry in ClinVar:

ClinVar aggregate classification (germline): Conflicting classifications of pathogenicity. Review status: criteria provided, conflicting classifications (1 of 4 stars). 10 submissions from 9 submitters: Uncertain significance (4); Likely benign (4). 2 of the submissions do not count toward it. Last evaluated 2026-01-31.

Conditions:
CDH23-related disorder. Also called: CDH23-related condition; CDH23-related disorders.
Usher syndrome type 1 (USH1). Also called: RETINITIS PIGMENTOSA AND CONGENITAL DEAFNESS. Identifiers: Orphanet 231169, Orphanet 886, MedGen C1568247, MONDO:0010168, OMIM 276900.
Autosomal recessive nonsyndromic hearing loss 12. Also called: DEAFNESS, AUTOSOMAL RECESSIVE 12. Identifiers: Orphanet 90636, MedGen C1832394, MONDO:0011067, OMIM 601386.
Usher syndrome type 1D (USH1D). Also called: USHER SYNDROME, TYPE ID. Identifiers: Orphanet 231169, Orphanet 886, MedGen C1832845, MONDO:0010984, OMIM 601067.

Allele frequency attached by ClinVar (database versions not stated): gnomAD exomes 0.00006 and 0.00022; gnomAD 0.00014 and 0.00015; 1000 Genomes Project 0.00020; ExAC 0.00025; TOPMed 0.00027; 1000 Genomes Project 30x 0.00031.
gnomAD v4.1: 266 of 1,612,522 alleles (0.016%); highest among the groups gnomAD compares: East Asian, 0.16%; 9 homozygotes.

Submissions (10):

Labcorp Genetics (formerly Invitae), Labcorp
Classification: Likely benign. Last evaluated: 2026-01-31. Review status: criteria provided, single submitter. Criteria: Invitae Variant Classification Sherloc (09022015). Collection method: clinical testing. Allele origin: germline.

Women's Health and Genetics/Laboratory Corporation of America, LabCorp
Classification: Uncertain significance. Last evaluated: 2025-11-12. Review status: criteria provided, single submitter. Criteria: LabCorp Variant Classification Summary - May 2015. Collection method: clinical testing. Allele origin: germline.
Comment: Variant summary: CDH23 c.2891G>A (p.Arg964Gln) results in a conservative amino acid change in the encoded protein sequence. Algorithms developed to predict the effect of missense changes on protein structure and function are either unavailable or do not agree on the potential impact of this missense change. The variant allele was found at a frequency of 0.00016 in 1612522 control chromosomes, predominantly at a frequency of 0.0026 within the East Asian subpopulation in the gnomAD database, including 9 homozygotes. This frequency is not significantly higher than estimated for disease-causing variants in CDH23, allowing no conclusion about variant significance. c.2891G>A has been observed in individual(s) affected with clinical features of Usher Syndrome, without strong evidence for causality (example, Gao_2019, Zhang_2014, Zhang_2020). These report(s) do not provide unequivocal conclusions about association of the variant with CDH23-related conditions. To our knowledge, no experimental evidence demonstrating an impact on protein function has been reported. The following publications have been ascertained in the context of this evaluation (PMID: 31054281, 24763286, 35066146, 32425987, 24767429, 37088079, 32608139). ClinVar contains an entry for this variant (Variation ID: 45905). Based on the evidence outlined above, the variant was classified as uncertain significance.

Blueprint Genetics
Classification: Likely benign. Last evaluated: 2024-10-22. Review status: criteria provided, single submitter. Criteria: ACMG Guidelines, 2015. Collection method: clinical testing. Allele origin: germline.

GeneDx
Classification: Likely benign. Last evaluated: 2019-12-06. Review status: criteria provided, single submitter. Criteria: GeneDx Variant Classification Process June 2021. Collection method: clinical testing. Allele origin: germline. Affected: yes.
Comment: This variant is associated with the following publications: (PMID: 32425987, 31054281, 24767429)

Illumina Laboratory Services, Illumina
Classification: Uncertain significance for Usher syndrome type 1D. Last evaluated: 2017-04-27. Review status: criteria provided, single submitter. Criteria: ICSL Variant Classification Criteria 13 December 2019. Collection method: clinical testing. Allele origin: germline.

Illumina Laboratory Services, Illumina
Classification: Uncertain significance for Autosomal recessive nonsyndromic hearing loss 12. Last evaluated: 2017-04-27. Review status: criteria provided, single submitter. Criteria: ICSL Variant Classification Criteria 13 December 2019. Collection method: clinical testing. Allele origin: germline.
Comment: This variant was observed as part of a predisposition screen in an ostensibly healthy population. A literature search was performed for the gene, cDNA change, and amino acid change (where applicable). Publications were found based on this search. However, the evidence from the literature, in combination with allele frequency data from public databases where available, was not sufficient to rule this variant in or out of causing disease. Therefore, this variant is classified as a variant of unknown significance.

Eurofins Ntd Llc (ga)
Classification: Uncertain significance. Last evaluated: 2016-07-19. Review status: criteria provided, single submitter. Criteria: EGL Classification Definitions 2015. Collection method: clinical testing. Allele origin: germline. Observed: 4 variant alleles, 4 heterozygotes.

Laboratory for Molecular Medicine, Mass General Brigham Personalized Medicine
Classification: Likely benign. Last evaluated: 2011-03-08. Review status: criteria provided, single submitter. Criteria: LMM Criteria. Collection method: clinical testing. Allele origin: germline. Observed: 5 variant alleles.
Comment: p.Arg964Gln in exon 25 of CDH23: This variant is not expected to have clinical s ignificance because it has been identified in 0.3% (24/8460) of East Asian chrom osomes by the Exome Aggregation Consortium (ExAC ; dbSNP rs376560330).

PreventionGenetics, part of Exact Sciences
Classification: Likely benign for CDH23-related condition. Last evaluated: 2023-12-26. Review status: no assertion criteria provided. Collection method: clinical testing. Allele origin: germline. Not counted in ClinVar's aggregate classification.
Comment: This variant is classified as likely benign based on ACMG/AMP sequence variant interpretation guidelines (Richards et al. 2015 PMID: 25741868, with internal and published modifications).

Natera, Inc.
Classification: Likely benign for Usher syndrome type 1. Last evaluated: 2020-09-16. Review status: no assertion criteria provided. Collection method: clinical testing. Allele origin: germline. Not counted in ClinVar's aggregate classification.

Literature cited by the submitters: PubMed 31054281 (cited by Women's Health and Genetics/Laboratory Corporation of America, LabCorp); PubMed 32608139 (cited by Women's Health and Genetics/Laboratory Corporation of America, LabCorp); PubMed 24767429 (cited by Women's Health and Genetics/Laboratory Corporation of America, LabCorp and Illumina Laboratory Services, Illumina); PubMed 24763286 (cited by Women's Health and Genetics/Laboratory Corporation of America, LabCorp); PubMed 32425987 (cited by Women's Health and Genetics/Laboratory Corporation of America, LabCorp); PubMed 35066146 (cited by Women's Health and Genetics/Laboratory Corporation of America, LabCorp); PubMed 37088079 (cited by Women's Health and Genetics/Laboratory Corporation of America, LabCorp).

NM_022124.6(CDH23):c.2891G>A (p.Arg964Gln)

Gene: CDH23 (cadherin related 23; plus strand). Cytogenetic location: 10q22.1.
Variant type: single nucleotide variant.
Coding change: c.2891G>A on transcript NM_022124.6 (MANE Select); coding-DNA position 2891, G replaced by A.
Protein change: p.Arg964Gln; replaces arginine 964 with glutamine.
Molecular consequence: missense variant.
Genome position (GRCh38, 1-based): chr10:71,705,068, G>A. VCF-style: chr10-71705068-G-A. GRCh37 (hg19) VCF-style: chr10-73464825-G-A.
Other names: c.2891G>A, p.Arg964Gln (NM_001171930.2, NM_001171931.2); short protein forms R964Q.
Identifiers: ClinVar variation 45905 (VCV000045905.32), dbSNP rs376560330, ClinGen allele CA137344.